The following is an entry in ClinVar:

ClinVar aggregate classification (germline): Conflicting classifications of pathogenicity. Review status: criteria provided, conflicting classifications (1 of 4 stars). 3 submissions from 3 submitters: Uncertain significance (2); Likely benign (1). Last evaluated 2026-01-04.

Conditions:
Hereditary cancer-predisposing syndrome. Also called: Tumor predisposition; Hereditary neoplastic syndrome; Hereditary Cancer Syndrome; Neoplastic Syndromes, Hereditary. Identifiers: Orphanet 140162, MedGen C0027672, MeSH D009386, MONDO:0015356.
Familial colorectal cancer type X. Identifiers: Orphanet 440437, MedGen C3896578, MONDO:0018604.
Polymerase proofreading-related adenomatous polyposis. Also called: Polymerase proofreading associated polyposis; Polymerase proofreading–associated polyposis (PPAP). Identifiers: Orphanet 447877, MedGen C5202613, MONDO:0018653.

Allele frequency attached by ClinVar (database versions not stated): gnomAD exomes below 0.00001 and 0.00001.

Submissions (3):

Labcorp Genetics (formerly Invitae), Labcorp
Classification: Uncertain significance. Last evaluated: 2026-01-04. Review status: criteria provided, single submitter. Criteria: Invitae Variant Classification Sherloc (09022015). Collection method: clinical testing. Allele origin: germline.
Comment: This sequence change replaces methionine, which is neutral and non-polar, with valine, which is neutral and non-polar, at codon 1406 of the POLE protein (p.Met1406Val). This variant is present in population databases (no rsID available, gnomAD 0.004%). This variant has not been reported in the literature in individuals affected with POLE-related conditions. ClinVar contains an entry for this variant (Variation ID: 576009). Invitae Evidence Modeling of protein sequence and biophysical properties (such as structural, functional, and spatial information, amino acid conservation, physicochemical variation, residue mobility, and thermodynamic stability) indicates that this missense variant is not expected to disrupt POLE protein function with a negative predictive value of 80%. In summary, the available evidence is currently insufficient to determine the role of this variant in disease. Therefore, it has been classified as a Variant of Uncertain Significance.

Ambry Genetics
Classification: Likely benign for Hereditary cancer-predisposing syndrome. Last evaluated: 2025-02-20. Review status: criteria provided, single submitter. Criteria: Ambry Variant Classification Scheme 2023. Collection method: clinical testing. Allele origin: germline.

Department of Pathology and Laboratory Medicine, Sinai Health System
Classification: Uncertain significance for Polymerase proofreading-related adenomatous polyposis; Familial colorectal cancer type X. Last evaluated: 2020-12-03. Review status: criteria provided, single submitter. Criteria: ACMG Guidelines, 2015. Collection method: clinical testing. Allele origin: germline. Affected: yes.

Literature cited by the submitters: PubMed 32546565 (cited by Department of Pathology and Laboratory Medicine, Sinai Health System).

NM_006231.4(POLE):c.4216A>G (p.Met1406Val)

Gene: POLE (DNA polymerase epsilon, catalytic subunit; minus strand). Cytogenetic location: 12q24.33.
Variant type: single nucleotide variant.
Coding change: c.4216A>G on transcript NM_006231.4 (MANE Select); coding-DNA position 4216, A replaced by G.
Protein change: p.Met1406Val; replaces methionine 1406 with valine.
Molecular consequence: missense variant.
Genome position (GRCh38, 1-based): chr12:132,643,911, T>C on the plus strand (A>G on the coding strand, the complement: POLE is on the minus strand). VCF-style: chr12-132643911-T-C. GRCh37 (hg19) VCF-style: chr12-133220497-T-C.
Other names: short protein forms M1406V.
Identifiers: ClinVar variation 576009 (VCV000576009.14), dbSNP rs1452685600, ClinGen allele CA387382192.
Genomic context (GRCh38, chr12:132,643,911, plus strand): 5'-CGCCCTCGATGTCTGGCGCTGACAGCTCAGCGTTGATCTCGTTGATGTGTTCCTGGTACA[T>C]GTCCTCTGGCACTGAATACTCATAGAGATTGTAGACCATGTTGGAGCGAGGAAGGACCCG-3'
Protein context (NP_006222.2, residues 1396-1416): NLYEYSVPED[Met1406Val]YQEHINEINA